The following is an entry in ClinVar:

NM_001122955.4(BSCL2):c.505C>T (p.Pro169Ser)

Genes: HNRNPUL2-BSCL2 (HNRNPUL2-BSCL2 readthrough (NMD candidate); minus strand), BSCL2 (BSCL2 lipid droplet biogenesis associated, seipin; minus strand). Cytogenetic location: 11q12.3.
Variant type: single nucleotide variant.
Coding change: c.505C>T on transcript NM_001122955.4 (MANE Select); coding-DNA position 505, C replaced by T.
Protein change: p.Pro169Ser; replaces proline 169 with serine.
Molecular consequence: missense variant. On other transcripts: non-coding transcript variant (1).
Genome position (GRCh38, 1-based): chr11:62,694,693, G>A on the plus strand (C>T on the coding strand, the complement: BSCL2 is on the minus strand). VCF-style: chr11-62694693-G-A. GRCh37 (hg19) VCF-style: chr11-62462165-G-A.
Other names: c.313C>T, p.Pro105Ser (NM_001130702.2, NM_032667.6); c.505C>T, p.Pro169Ser (NM_001386027.1, NM_001386028.1); short protein forms P105S, P169S.
Identifiers: ClinVar variation 241724 (VCV000241724.8), dbSNP rs878855171, ClinGen allele CA10582927.

ClinVar aggregate classification (germline): Uncertain significance (1 of 4 stars; one submission).

Conditions:
Charcot-Marie-Tooth disease type 2. Also called: Charcot-Marie-Tooth type 2. Identifiers: Orphanet 64746, MedGen C0270914, MONDO:0018993.

Allele frequency attached by ClinVar (database versions not stated): gnomAD 0.00001; TOPMed below 0.00001.
gnomAD v4.1: 1 of 1,613,954 alleles (0.000062%); highest among the groups gnomAD compares: African/African-American, 0.0013%; no homozygotes.

Submission:

Labcorp Genetics (formerly Invitae), Labcorp
Classification: Uncertain significance for Charcot-Marie-Tooth disease type 2. Last evaluated: 2016-02-11. Review status: criteria provided, single submitter. Criteria: Invitae Variant Classification Sherloc (09022015). Collection method: clinical testing. Allele origin: germline.
Comment: This sequence change replaces proline with serine at codon 105 of the BSCL2 protein (p.Pro105Ser). The proline residue is highly conserved and there is a moderate physicochemical difference between proline and serine. This variant is not present in population databases (ExAC no frequency) and has not been reported in the literature in individuals with a BSCL2-related disease. Algorithms developed to predict the effect of missense changes on protein structure and function do not agree on the potential impact of this missense change (SIFT: "Tolerated"; PolyPhen-2: "Possibly Damaging"; Align-GVGD: "Class C25"). In summary, this is a novel missense change with uncertain impact on protein function. It has been classified as a Variant of Uncertain Significance.